The following is an entry in ClinVar:

ClinVar aggregate classification (germline): Uncertain significance (1 of 4 stars; one submission).

Conditions:
Multiple sulfatase deficiency (MSD). Also called: Mucosulfatidosis; Multiple Sulfatase Deficiency Disease; Sulfatidosis, Juvenile, Austin Type. Identifiers: Orphanet 585, MedGen C0268263, MONDO:0010088, OMIM 272200.

Allele frequency attached by ClinVar (database versions not stated): TOPMed 0.00001.

Submission:

Labcorp Genetics (formerly Invitae), Labcorp
Classification: Uncertain significance for Multiple sulfatase deficiency. Last evaluated: 2022-01-21. Review status: criteria provided, single submitter. Criteria: Invitae Variant Classification Sherloc (09022015). Collection method: clinical testing. Allele origin: germline.
Comment: In summary, the available evidence is currently insufficient to determine the role of this variant in disease. Therefore, it has been classified as a Variant of Uncertain Significance. Algorithms developed to predict the effect of missense changes on protein structure and function are either unavailable or do not agree on the potential impact of this missense change (SIFT: "Deleterious"; PolyPhen-2: "Probably Damaging"; Align-GVGD: "Class C0"). This variant has not been reported in the literature in individuals affected with SUMF1-related conditions. This variant is not present in population databases (gnomAD no frequency). This sequence change replaces alanine, which is neutral and non-polar, with threonine, which is neutral and polar, at codon 358 of the SUMF1 protein (p.Ala358Thr).

NM_182760.4(SUMF1):c.1072G>A (p.Ala358Thr)

Gene: SUMF1 (sulfatase modifying factor 1; minus strand). Cytogenetic location: 3p26.1.
Variant type: single nucleotide variant.
Coding change: c.1072G>A on transcript NM_182760.4 (MANE Select); coding-DNA position 1072, G replaced by A.
Protein change: p.Ala358Thr; replaces alanine 358 with threonine.
Molecular consequence: missense variant.
Genome position (GRCh38, 1-based): chr3:4,362,197, C>T on the plus strand (G>A on the coding strand, the complement: SUMF1 is on the minus strand). VCF-style: chr3-4362197-C-T. GRCh37 (hg19) VCF-style: chr3-4403881-C-T.
Other names: c.997G>A, p.Ala333Thr (NM_001164674.2); c.1012G>A, p.Ala338Thr (NM_001164675.2); short protein forms A358T, A333T, A338T.
Identifiers: ClinVar variation 2088512 (VCV002088512.4), dbSNP rs754347396, ClinGen allele CA351626389.
Genomic context (GRCh38, chr3:4,362,197, plus strand): 5'-TTGGTTGTCAGTCCATAGTGGGCAGGCGGTCGGCTGCACAGCGGAATCCCAGATTCGAAG[C>T]AGAGCTATCAGGTGTGTTCTGGCTCCGAGCAGCACAGCGATACCTGTAACAATAAGACTG-3'
Protein context (NP_877437.2, residues 348-368): ARSQNTPDSS[Ala358Thr]SNLGFRCAAD